The following is an entry in ClinVar:

NM_032271.3(TRAF7):c.977T>C (p.Ile326Thr)

Gene: TRAF7 (TNF receptor associated factor 7; plus strand). Cytogenetic location: 16p13.3.
Variant type: single nucleotide variant.
Coding change: c.977T>C on transcript NM_032271.3 (MANE Select); coding-DNA position 977, T replaced by C.
Protein change: p.Ile326Thr; replaces isoleucine 326 with threonine.
Molecular consequence: missense variant.
Genome position (GRCh38, 1-based): chr16:2,173,364, T>C. VCF-style: chr16-2173364-T-C. GRCh37 (hg19) VCF-style: chr16-2223365-T-C.
Other names: short protein forms I326T.
Identifiers: ClinVar variation 3381563 (VCV003381563.1).
Genomic context (GRCh38, chr16:2,173,364, plus strand): 5'-CCCAGAAGGACCAGGAGATCGCCTTCCTGCGCTCCATGCTGGGAAAGCTCTCGGAGAAGA[T>C]CGACCAGCTAGAGAAGAGCCTGGAGCTCAAGTTTGGTGAGGGTGGGCACCGGGGCAGGCA-3'
Protein context (NP_115647.2, residues 316-336): RSMLGKLSEK[Ile326Thr]DQLEKSLELK

ClinVar aggregate classification (germline): Uncertain significance (1 of 4 stars; one submission).

Submission:

GeneDx
Classification: Uncertain significance. Last evaluated: 2024-05-19. Review status: criteria provided, single submitter. Criteria: GeneDx Variant Classification Process June 2021. Collection method: clinical testing. Allele origin: germline. Affected: yes.
Comment: Not observed at significant frequency in large population cohorts (gnomAD); In silico analysis indicates that this missense variant does not alter protein structure/function; Has not been previously published as pathogenic or benign to our knowledge